The following is an entry in ClinVar:

ClinVar aggregate classification (germline): Conflicting classifications of pathogenicity. Review status: criteria provided, conflicting classifications (1 of 4 stars). 18 submissions from 14 submitters: Uncertain significance (3); Benign (5); Likely benign (7). 3 of the submissions do not count toward it. Last evaluated 2026-07-01.

Conditions:
Cardiovascular phenotype. Identifiers: MedGen CN230736.
Autosomal recessive limb-girdle muscular dystrophy type 2J (LGMDR10). Also called: Limb-girdle muscular dystrophy, type 2J; MUSCULAR DYSTROPHY, LIMB-GIRDLE, AUTOSOMAL RECESSIVE 10. Identifiers: Orphanet 140922, MedGen C1837342, MONDO:0012127, OMIM 608807.
Dilated cardiomyopathy 1G (CMD1G). Identifiers: Orphanet 154, MedGen C1858763, MONDO:0011400, OMIM 604145.
Tibial muscular dystrophy (TMD). Also called: Udd Distal Myopathy – Tibial Muscular Dystrophy; Tibial muscular dystrophy, tardive; UDD MYOPATHY. Identifiers: Orphanet 609, MedGen C1838244, MONDO:0010870, OMIM 600334.
Early-onset myopathy with fatal cardiomyopathy (CMYO5). Also called: Salih Myopathy; CONGENITAL MYOPATHY 5 WITH CARDIOMYOPATHY. Identifiers: Orphanet 289377, MedGen C2673677, MONDO:0012714, OMIM 611705. Disease mechanism: loss of function.
Myopathy, myofibrillar, 9, with early respiratory failure (MFM9). Also called: EDSTROM MYOPATHY; MYOPATHY, PROXIMAL, WITH EARLY RESPIRATORY MUSCLE INVOLVEMENT; Hereditary myopathy with early respiratory failure; Myopathy, distal, with early respiratory failure, autosomal dominant. Identifiers: Orphanet 178464, Orphanet 34521, MedGen C1863599, MONDO:0011362, OMIM 603689.

Allele frequency attached by ClinVar (database versions not stated): gnomAD exomes 0.00011 and 0.00031; ExAC 0.00040; 1000 Genomes Project 0.00100; 1000 Genomes Project 30x 0.00125; gnomAD 0.00133 and 0.00141; ESP Exome Variant Server 0.00134; TOPMed 0.00145.
gnomAD v4.1: 375 of 1,613,170 alleles (0.023%); highest among the groups gnomAD compares: African/African-American, 0.44%; no homozygotes.

Submissions (18):

CeGaT Center for Human Genetics Tuebingen
Classification: Likely benign. Last evaluated: 2026-07-01. Review status: criteria provided, single submitter. Criteria: CeGaT Center For Human Genetics Tuebingen Variant Classification Criteria Version 2. Collection method: clinical testing. Allele origin: germline. Affected: yes. Observed: 6 variant alleles.
Comment: TTN: BP4, BP7

Labcorp Genetics (formerly Invitae), Labcorp
Classification: Benign for Dilated cardiomyopathy 1G; Autosomal recessive limb-girdle muscular dystrophy type 2J. Last evaluated: 2026-02-02. Review status: criteria provided, single submitter. Criteria: Invitae Variant Classification Sherloc (09022015). Collection method: clinical testing. Allele origin: germline.

Molecular Diagnostic Laboratory for Inherited Cardiovascular Disease, Montreal Heart Institute
Classification: Likely benign. Last evaluated: 2025-04-09. Review status: criteria provided, single submitter. Criteria: ACMG Guidelines, 2015. Collection method: clinical testing. Allele origin: germline. Affected: no.
Comment: BS1;BP6;BP7

Mayo Clinic Laboratories, Mayo Clinic
Classification: Likely benign. Last evaluated: 2024-10-16. Review status: criteria provided, single submitter. Criteria: ACMG Guidelines, 2015. Collection method: clinical testing. Allele origin: germline. Observed: 2 variant alleles.
Comment: BS1, BP4, BP7

Blueprint Genetics
Classification: Likely benign. Last evaluated: 2024-09-03. Review status: criteria provided, single submitter. Criteria: ACMG Guidelines, 2015. Collection method: clinical testing. Allele origin: germline.

Women's Health and Genetics/Laboratory Corporation of America, LabCorp
Classification: Likely benign. Last evaluated: 2020-01-19. Review status: criteria provided, single submitter. Criteria: LabCorp Variant Classification Summary - May 2015. Collection method: clinical testing. Allele origin: germline.

Illumina Laboratory Services, Illumina
Classification: Uncertain significance for Dilated cardiomyopathy 1G. Last evaluated: 2018-01-13. Review status: criteria provided, single submitter. Criteria: ICSL Variant Classification Criteria 13 December 2019. Collection method: clinical testing. Allele origin: germline.

Illumina Laboratory Services, Illumina
Classification: Benign for Tibial muscular dystrophy. Last evaluated: 2018-01-13. Review status: criteria provided, single submitter. Criteria: ICSL Variant Classification Criteria 13 December 2019. Collection method: clinical testing. Allele origin: germline.
Comment: This variant was observed in the ICSL laboratory as part of a predisposition screen in an ostensibly healthy population. It had not been previously curated by ICSL or reported in the Human Gene Mutation Database (HGMD: prior to June 1st, 2018), and was therefore a candidate for classification through an automated scoring system. Utilizing variant allele frequency, disease prevalence and penetrance estimates, and inheritance mode, an automated score was calculated to assess if this variant is too frequent to cause the disease. Based on the score and internal cut-off values, a variant classified as benign is not then subjected to further curation. The score for this variant resulted in a classification of benign for this disease.

Illumina Laboratory Services, Illumina
Classification: Benign for Myopathy, myofibrillar, 9, with early respiratory failure. Last evaluated: 2018-01-13. Review status: criteria provided, single submitter. Criteria: ICSL Variant Classification Criteria 13 December 2019. Collection method: clinical testing. Allele origin: germline.
Comment: the same text as in the submission from Illumina Laboratory Services, Illumina above.

Illumina Laboratory Services, Illumina
Classification: Uncertain significance for Autosomal recessive limb-girdle muscular dystrophy type 2J. Last evaluated: 2018-01-13. Review status: criteria provided, single submitter. Criteria: ICSL Variant Classification Criteria 13 December 2019. Collection method: clinical testing. Allele origin: germline.

Illumina Laboratory Services, Illumina
Classification: Uncertain significance for Early-onset myopathy with fatal cardiomyopathy. Last evaluated: 2018-01-13. Review status: criteria provided, single submitter. Criteria: ICSL Variant Classification Criteria 13 December 2019. Collection method: clinical testing. Allele origin: germline.

GeneDx
Classification: Benign. Last evaluated: 2015-03-03. Review status: criteria provided, single submitter. Criteria: GeneDx Variant Classification Process June 2021. Collection method: clinical testing. Allele origin: germline. Affected: yes.

Eurofins Ntd Llc (ga)
Classification: Likely benign. Last evaluated: 2014-10-10. Review status: criteria provided, single submitter. Criteria: EGL Classification Definitions 2015. Collection method: clinical testing. Allele origin: germline. Observed: 1 variant allele, 1 heterozygote.

Ambry Genetics
Classification: Likely benign for Cardiovascular phenotype. Last evaluated: 2013-01-22. Review status: criteria provided, single submitter. Criteria: Ambry Autosomal Dominant and X-Linked criteria (10/2015). Collection method: clinical testing. Allele origin: germline. Observed: 1 variant allele.

Laboratory for Molecular Medicine, Mass General Brigham Personalized Medicine
Classification: Benign. Last evaluated: 2012-03-19. Review status: criteria provided, single submitter. Criteria: LMM Criteria. Collection method: clinical testing. Allele origin: germline. Observed: 1 variant allele.
Comment: p.Phe17775Phe in Exon 253 of TTN: This variant is not expected to have clinical significance because it does not alter an amino acid residue, is not located wit hin the splice consensus sequence and has been identified in 0.4% (13/3044) of A frican American chromosomes from a broad population by the NHLBI Exome Sequencin g Project (dbSNP rs6706088).

Clinical Genetics DNA and cytogenetics Diagnostics Lab, Erasmus MC, Erasmus Medical Center
Classification: Likely benign. Review status: no assertion criteria provided. Collection method: clinical testing. Allele origin: germline. Affected: yes. Study: VKGL Data-share Consensus. Not counted in ClinVar's aggregate classification.

Clinical Genetics, Academic Medical Center
Classification: Benign. Review status: no assertion criteria provided. Collection method: clinical testing. Allele origin: germline. Affected: yes. Study: VKGL Data-share Consensus. Not counted in ClinVar's aggregate classification.

Genome Diagnostics Laboratory, University Medical Center Utrecht
Classification: Likely benign. Review status: no assertion criteria provided. Collection method: clinical testing. Allele origin: germline. Affected: yes. Study: VKGL Data-share Consensus. Not counted in ClinVar's aggregate classification.

NM_001267550.2(TTN):c.61029T>C (p.Phe20343=)

Genes: TTN (titin; minus strand), TTN-AS1 (TTN antisense RNA 1; plus strand). Cytogenetic location: 2q31.2.
Variant type: single nucleotide variant.
Coding change: c.61029T>C on transcript NM_001267550.2 (MANE Select); coding-DNA position 61029, T replaced by C.
Protein change: p.Phe20343=; no amino-acid change (phenylalanine 20343 retained).
Molecular consequence: synonymous variant.
Genome position (GRCh38, 1-based): chr2:178,590,696, A>G on the plus strand (T>C on the coding strand, the complement: TTN is on the minus strand). VCF-style: chr2-178590696-A-G. GRCh37 (hg19) VCF-style: chr2-179455423-A-G.
Other names: p.Phe18702=; c.56106T>C, p.Phe18702= (NM_001256850.1); c.33834T>C, p.Phe11278= (NM_003319.4); c.34209T>C, p.Phe11403= (NM_133432.3); c.34410T>C, p.Phe11470= (NM_133437.4); c.53325T>C, p.Phe17775= (NM_133378.4).
Identifiers: ClinVar variation 165925 (VCV000165925.67), dbSNP rs6706088, ClinGen allele CA346113.
Genomic context (GRCh38, chr2:178,590,696, plus strand): 5'-TATTGGATCAGAACTTGGGGATGGTTTGCTTAGTCCTGCAAGATTTTCAGCAAAAACTCT[A>G]AACTCATATGTATTTCCTTCATAGAGTCCAGTCACTCTGAACTTCAGGTCAGCGATAGGT-3'
Protein context (NP_001254479.2, residues 20333-20353): TGLYEGNTYE[Phe20343=]RVFAENLAGL